The following is an entry in ClinVar:

ClinVar aggregate classification (germline): Uncertain significance (1 of 4 stars; one submission).

Conditions:
Joubert syndrome. Also called: CEREBELLOPARENCHYMAL DISORDER IV; JOUBERT-BOLTSHAUSER SYNDROME; Familial aplasia of the vermis. Identifiers: Orphanet 475, MedGen C5979921, MONDO:0018772.
Meckel-Gruber syndrome. Also called: DYSENCEPHALIA SPLANCHNOCYSTICA; GRUBER SYNDROME; Dysencephalia splachnocystica. Identifiers: Orphanet 564, MedGen C0265215, MONDO:0018921.

Allele frequency attached by ClinVar (database versions not stated): TOPMed below 0.00001; gnomAD 0.00001; gnomAD exomes 0.00001.
gnomAD v4.1: 6 of 1,601,234 alleles (0.00037%); highest among the groups gnomAD compares: Admixed American, 0.0052%; no homozygotes.

Submission:

Labcorp Genetics (formerly Invitae), Labcorp
Classification: Uncertain significance for Joubert syndrome; Meckel-Gruber syndrome. Last evaluated: 2024-01-15. Review status: criteria provided, single submitter. Criteria: Invitae Variant Classification Sherloc (09022015). Collection method: clinical testing. Allele origin: germline.
Comment: This sequence change replaces alanine, which is neutral and non-polar, with serine, which is neutral and polar, at codon 41 of the TCTN1 protein (p.Ala41Ser). The frequency data for this variant in the population databases is considered unreliable, as metrics indicate poor data quality at this position in the gnomAD database. This variant has not been reported in the literature in individuals affected with TCTN1-related conditions. ClinVar contains an entry for this variant (Variation ID: 1979634). An algorithm developed to predict the effect of missense changes on protein structure and function (PolyPhen-2) suggests that this variant is likely to be tolerated. In summary, the available evidence is currently insufficient to determine the role of this variant in disease. Therefore, it has been classified as a Variant of Uncertain Significance.

NM_001082538.3(TCTN1):c.121G>T (p.Ala41Ser)

Gene: TCTN1 (tectonic family member 1; plus strand). Cytogenetic location: 12q24.11.
Variant type: single nucleotide variant.
Coding change: c.121G>T on transcript NM_001082538.3 (MANE Select); coding-DNA position 121, G replaced by T.
Protein change: p.Ala41Ser; replaces alanine 41 with serine.
Molecular consequence: missense variant. On other transcripts: 5 prime UTR variant (4), non-coding transcript variant (1).
Genome position (GRCh38, 1-based): chr12:110,614,303, G>T. VCF-style: chr12-110614303-G-T. GRCh37 (hg19) VCF-style: chr12-111052108-G-T.
Other names: c.121G>T, p.Ala41Ser (NM_001082537.3, NM_001319680.2, NM_024549.6); c.-109G>T (NM_001173975.3, NM_001319682.3); c.-136G>T (NM_001173976.2); c.-587G>T (NM_001319681.2); short protein forms A41S.
Identifiers: ClinVar variation 1979634 (VCV001979634.4), dbSNP rs1164612803, ClinGen allele CA386700642.